The following is an entry in ClinVar:

NM_007098.4(CLTCL1):c.4272G>T (p.Leu1424=)

Gene: CLTCL1 (clathrin heavy chain like 1; minus strand). Cytogenetic location: 22q11.21.
Variant type: single nucleotide variant.
Coding change: c.4272G>T on transcript NM_007098.4 (MANE Select); coding-DNA position 4272, G replaced by T.
Protein change: p.Leu1424=; no amino-acid change (leucine 1424 retained).
Molecular consequence: synonymous variant.
Genome position (GRCh38, 1-based): chr22:19,191,355, C>A on the plus strand (G>T on the coding strand, the complement: CLTCL1 is on the minus strand). VCF-style: chr22-19191355-C-A. GRCh37 (hg19) VCF-style: chr22-19178867-C-A.
Other names: c.4272G>T, p.Leu1424= (NM_001835.4).
Identifiers: ClinVar variation 3046773 (VCV003046773.2), dbSNP rs527491655, ClinGen allele CA512993266.

ClinVar aggregate classification (germline): Likely benign (0 of 4 stars; one submission).

Conditions:
CLTCL1-related disorder. Also called: CLTCL1-related condition.

gnomAD v4.1: 2 of 1,613,950 alleles (0.00012%); highest among the groups gnomAD compares: Non-Finnish European, 0.00017%; no homozygotes.

Submission:

PreventionGenetics, part of Exact Sciences
Classification: Likely benign for CLTCL1-related condition. Last evaluated: 2019-02-20. Review status: no assertion criteria provided. Collection method: clinical testing. Allele origin: germline.
Comment: This variant is classified as likely benign based on ACMG/AMP sequence variant interpretation guidelines (Richards et al. 2015 PMID: 25741868, with internal and published modifications).